The following is an entry in ClinVar:

ClinVar aggregate classification (germline): Uncertain significance. Review status: criteria provided, multiple submitters, no conflicts (2 of 4 stars). 2 submissions from 2 submitters: Uncertain significance (2). Last evaluated 2024-05-08.

Conditions:
Inborn genetic diseases. Identifiers: MedGen C0950123, MeSH D030342.

Allele frequency attached by ClinVar (database versions not stated): gnomAD exomes below 0.00001; ExAC 0.00001; ESP Exome Variant Server 0.00008.

Submissions (2):

Ambry Genetics
Classification: Uncertain significance for Inborn genetic diseases. Last evaluated: 2024-05-08. Review status: criteria provided, single submitter. Criteria: Ambry Variant Classification Scheme 2023. Collection method: clinical testing. Allele origin: germline.

CeGaT Center for Human Genetics Tuebingen
Classification: Uncertain significance. Last evaluated: 2023-05-01. Review status: criteria provided, single submitter. Criteria: CeGaT Center For Human Genetics Tuebingen Variant Classification Criteria Version 2. Collection method: clinical testing. Allele origin: germline. Affected: yes. Observed: 1 variant allele.
Comment: P4HB: PM2

NM_000918.4(P4HB):c.1280C>T (p.Ser427Leu)

Gene: P4HB (prolyl 4-hydroxylase subunit beta; minus strand). Cytogenetic location: 17q25.3.
Variant type: single nucleotide variant.
Coding change: c.1280C>T on transcript NM_000918.4 (MANE Select); coding-DNA position 1280, C replaced by T.
Protein change: p.Ser427Leu; replaces serine 427 with leucine.
Molecular consequence: missense variant.
Genome position (GRCh38, 1-based): chr17:81,845,640, G>A on the plus strand (C>T on the coding strand, the complement: P4HB is on the minus strand). VCF-style: chr17-81845640-G-A. GRCh37 (hg19) VCF-style: chr17-79803516-G-A.
Other names: c.1280C>T (NM_000918.3); short protein forms S427L.
Identifiers: ClinVar variation 2648467 (VCV002648467.25), dbSNP rs371414493, ClinGen allele CA8842663.